The following is an entry in ClinVar:

NM_000548.5(TSC2):c.2761C>T (p.Leu921Phe)

Gene: TSC2 (TSC complex subunit 2; plus strand). Cytogenetic location: 16p13.3.
Variant type: single nucleotide variant.
Coding change: c.2761C>T on transcript NM_000548.5 (MANE Select); coding-DNA position 2761, C replaced by T.
Protein change: p.Leu921Phe; replaces leucine 921 with phenylalanine.
Molecular consequence: missense variant.
Genome position (GRCh38, 1-based): chr16:2,076,509, C>T. VCF-style: chr16-2076509-C-T. GRCh37 (hg19) VCF-style: chr16-2126510-C-T.
Other names: c.2761C>T, p.Leu921Phe (NM_001077183.3, NM_001114382.3, NM_001363528.2 and 3 more transcripts); c.2650C>T, p.Leu884Phe (NM_001318827.2); c.2614C>T, p.Leu872Phe (NM_001318829.2); c.2161C>T, p.Leu721Phe (NM_001318831.2); c.2794C>T, p.Leu932Phe (NM_001318832.2); short protein forms L721F, L872F, L884F, L921F, L932F.
Identifiers: ClinVar variation 1056742 (VCV001056742.10), dbSNP rs201835391, ClinGen allele CA394279849.

ClinVar aggregate classification (germline): Uncertain significance (1 of 4 stars; one submission).

Conditions:
Tuberous sclerosis 2 (TSC2). Identifiers: Orphanet 805, MedGen C1860707, MONDO:0013199, OMIM 613254.

gnomAD v4.1: 3 of 1,613,552 alleles (0.00019%); highest among the groups gnomAD compares: South Asian, 0.0022%; no homozygotes.

Submission:

Labcorp Genetics (formerly Invitae), Labcorp
Classification: Uncertain significance for Tuberous sclerosis 2. Last evaluated: 2025-10-06. Review status: criteria provided, single submitter. Criteria: Invitae Variant Classification Sherloc (09022015). Collection method: clinical testing. Allele origin: germline.
Comment: This sequence change replaces leucine, which is neutral and non-polar, with phenylalanine, which is neutral and non-polar, at codon 921 of the TSC2 protein (p.Leu921Phe). This variant is not present in population databases (gnomAD no frequency). This variant has not been reported in the literature in individuals affected with TSC2-related conditions. ClinVar contains an entry for this variant (Variation ID: 1056742). Invitae Evidence Modeling of protein sequence and biophysical properties (such as structural, functional, and spatial information, amino acid conservation, physicochemical variation, residue mobility, and thermodynamic stability) indicates that this missense variant is not expected to disrupt TSC2 protein function with a negative predictive value of 95%. In summary, the available evidence is currently insufficient to determine the role of this variant in disease. Therefore, it has been classified as a Variant of Uncertain Significance.